The following is an entry in ClinVar:

NM_001365536.1(SCN9A):c.2788G>T (p.Glu930Ter)

Genes: SCN9A (sodium voltage-gated channel alpha subunit 9; minus strand), SCN1A-AS1 (SCN1A and SCN9A antisense RNA 1; plus strand). Cytogenetic location: 2q24.3.
Variant type: single nucleotide variant.
Coding change: c.2788G>T on transcript NM_001365536.1 (MANE Select); coding-DNA position 2788, G replaced by T.
Protein change: p.Glu930Ter; replaces glutamic acid 930 with a stop codon.
Molecular consequence: nonsense.
Genome position (GRCh38, 1-based): chr2:166,277,069, C>A on the plus strand (G>T on the coding strand, the complement: SCN9A is on the minus strand). VCF-style: chr2-166277069-C-A. GRCh37 (hg19) VCF-style: chr2-167133579-C-A.
Other names: c.2755G>T, p.Glu919Ter (NM_002977.4); short protein forms E919*, E930*.
Identifiers: ClinVar variation 3759064 (VCV003759064.2).
Genomic context (GRCh38, chr2:166,277,069, plus strand): 5'-TCATGTAAACAATAAGGCACATAGCTTGACCAGCGACCTCCATACAGTCCCACATGGTCT[C>A]TATCCACTCTCCACACAGCACGCGGAACACAATCAGGAAGGAGTGGAAGAAGTCGTTCAT-3'

ClinVar aggregate classification (germline): Pathogenic (1 of 4 stars; one submission).

Conditions:
Neuropathy, hereditary sensory and autonomic, type 2A (HSAN2A). Also called: ACROOSTEOLYSIS, GIACCAI TYPE; ACROOSTEOLYSIS, NEUROGENIC; WNK1-Related HSAN2 (HSAN2A); MORVAN DISEASE; NEUROPATHY, CONGENITAL SENSORY; NEUROPATHY, HEREDITARY SENSORY RADICULAR, AUTOSOMAL RECESSIVE. Identifiers: Orphanet 970, MedGen C2752089, MONDO:0024309, OMIM 201300.
Generalized epilepsy with febrile seizures plus, type 7 (GEFSP7). Also called: GEFS+, TYPE 7. Identifiers: Orphanet 36387, MedGen C2751778, MONDO:0013470, OMIM 613863.

gnomAD v4.1: 10 of 1,614,042 alleles (0.00062%); highest among the groups gnomAD compares: Non-Finnish European, 0.00085%; no homozygotes.

Submission:

Labcorp Genetics (formerly Invitae), Labcorp
Classification: Pathogenic for Neuropathy, hereditary sensory and autonomic, type 2A; Generalized epilepsy with febrile seizures plus, type 7. Last evaluated: 2024-09-27. Review status: criteria provided, single submitter. Criteria: Invitae Variant Classification Sherloc (09022015). Collection method: clinical testing. Allele origin: germline.
Comment: This sequence change creates a premature translational stop signal (p.Glu919*) in the SCN9A gene. It is expected to result in an absent or disrupted protein product. Loss-of-function variants in SCN9A are known to be pathogenic (PMID: 17470132, 19304393). This variant is not present in population databases (gnomAD no frequency). This premature translational stop signal has been observed in individual(s) with congenital insensitivity to pain (PMID: 25309764). For these reasons, this variant has been classified as Pathogenic.

Literature cited by the submitters: PubMed 17470132; PubMed 19304393; PubMed 25309764.